The following is an entry in ClinVar:

NM_003839.4(TNFRSF11A):c.196A>G (p.Ser66Gly)

Gene: TNFRSF11A (TNF receptor superfamily member 11a; plus strand). Cytogenetic location: 18q21.33.
Variant type: single nucleotide variant.
Coding change: c.196A>G on transcript NM_003839.4 (MANE Select); coding-DNA position 196, A replaced by G.
Protein change: p.Ser66Gly; replaces serine 66 with glycine.
Molecular consequence: missense variant.
Genome position (GRCh38, 1-based): chr18:62,349,850, A>G. VCF-style: chr18-62349850-A-G. GRCh37 (hg19) VCF-style: chr18-60017083-A-G.
Other names: c.196A>G, p.Ser66Gly (NM_001270949.2, NM_001270950.2, NM_001270951.2 and 1 more transcripts); short protein forms S66G.
Identifiers: ClinVar variation 2709685 (VCV002709685.3), dbSNP rs1269204952, ClinGen allele CA402610457.

ClinVar aggregate classification (germline): Uncertain significance (1 of 4 stars; one submission).

Allele frequency attached by ClinVar (database versions not stated): gnomAD exomes below 0.00001.
gnomAD v4.1: 1 of 1,614,094 alleles (0.000062%); highest among the groups gnomAD compares: South Asian, 0.0011%; no homozygotes.

Submission:

Labcorp Genetics (formerly Invitae), Labcorp
Classification: Uncertain significance. Last evaluated: 2024-01-16. Review status: criteria provided, single submitter. Criteria: Invitae Variant Classification Sherloc (09022015). Collection method: clinical testing. Allele origin: germline.
Comment: This sequence change replaces serine, which is neutral and polar, with glycine, which is neutral and non-polar, at codon 66 of the TNFRSF11A protein (p.Ser66Gly). This variant is present in population databases (no rsID available, gnomAD 0.003%). This variant has not been reported in the literature in individuals affected with TNFRSF11A-related conditions. Advanced modeling of protein sequence and biophysical properties (such as structural, functional, and spatial information, amino acid conservation, physicochemical variation, residue mobility, and thermodynamic stability) performed at Invitae indicates that this missense variant is expected to disrupt TNFRSF11A protein function with a positive predictive value of 80%. In summary, the available evidence is currently insufficient to determine the role of this variant in disease. Therefore, it has been classified as a Variant of Uncertain Significance.